The following is an entry in ClinVar:

NM_001365999.1(SZT2):c.2389C>T (p.Arg797Cys)

Gene: SZT2 (SZT2 subunit of KICSTOR complex; plus strand). Cytogenetic location: 1p34.2.
Variant type: single nucleotide variant.
Coding change: c.2389C>T on transcript NM_001365999.1 (MANE Select); coding-DNA position 2389, C replaced by T.
Protein change: p.Arg797Cys; replaces arginine 797 with cysteine.
Molecular consequence: missense variant.
Genome position (GRCh38, 1-based): chr1:43,424,350, C>T. VCF-style: chr1-43424350-C-T. GRCh37 (hg19) VCF-style: chr1-43890021-C-T.
Other names: c.2389C>T, p.Arg797Cys (NM_015284.4); short protein forms R797C.
Identifiers: ClinVar variation 1506034 (VCV001506034.8), dbSNP rs1296153161, ClinGen allele CA340012658.
Genomic context (GRCh38, chr1:43,424,350, plus strand): 5'-GTGTCAGGCCGCTCAGCCTCTTCTAGCCTGGCGTCACTGTCCCGCTACCTCTACCATCAG[C>T]GCTGGCTTTGGAGTGTCCCGTCAGGACTGGCCCCTGCGCTGCCTCTCAGTGCCATTGCCC-3'
Protein context (NP_001352928.1, residues 787-807): ASLSRYLYHQ[Arg797Cys]WLWSVPSGLA

ClinVar aggregate classification (germline): Uncertain significance (1 of 4 stars; one submission).

Allele frequency attached by ClinVar (database versions not stated): gnomAD exomes below 0.00001 and 0.00001; TOPMed below 0.00001; gnomAD 0.00001.

Submission:

Labcorp Genetics (formerly Invitae), Labcorp
Classification: Uncertain significance. Last evaluated: 2021-06-20. Review status: criteria provided, single submitter. Criteria: Invitae Variant Classification Sherloc (09022015). Collection method: clinical testing. Allele origin: germline.
Comment: This variant has not been reported in the literature in individuals with SZT2-related conditions. In summary, the available evidence is currently insufficient to determine the role of this variant in disease. Therefore, it has been classified as a Variant of Uncertain Significance. Algorithms developed to predict the effect of missense changes on protein structure and function are either unavailable or do not agree on the potential impact of this missense change (SIFT: "Deleterious"; PolyPhen-2: "Probably Damaging"; Align-GVGD: "Class C0"). This variant is not present in population databases (ExAC no frequency). This sequence change replaces arginine with cysteine at codon 797 of the SZT2 protein (p.Arg797Cys). The arginine residue is moderately conserved and there is a large physicochemical difference between arginine and cysteine.